The following is an entry in ClinVar:

ClinVar aggregate classification (germline): Benign/Likely benign. Review status: criteria provided, multiple submitters, no conflicts (2 of 4 stars). 8 submissions from 8 submitters: Benign (3); Likely benign (4). 1 of the submissions does not count toward it. Last evaluated 2026-05-11.

Conditions:
COL9A3-related disorder. Also called: COL9A3-related condition.

Allele frequency attached by ClinVar (database versions not stated): 1000 Genomes Project 30x 0.00094; gnomAD 0.00116 and 0.00120; 1000 Genomes Project 0.00120; TOPMed 0.00130; ESP Exome Variant Server 0.00138; ExAC 0.00153; gnomAD exomes 0.00200.
gnomAD v4.1: 1,761 of 1,612,882 alleles (0.11%); highest among the groups gnomAD compares: Middle Eastern, 1.3%; 13 homozygotes.

Submissions (8):

Women's Health and Genetics/Laboratory Corporation of America, LabCorp
Classification: Benign. Last evaluated: 2026-05-11. Review status: criteria provided, single submitter. Criteria: LabCorp Variant Classification Summary - May 2015. Collection method: clinical testing. Allele origin: germline.

Labcorp Genetics (formerly Invitae), Labcorp
Classification: Benign. Last evaluated: 2026-02-01. Review status: criteria provided, single submitter. Criteria: Invitae Variant Classification Sherloc (09022015). Collection method: clinical testing. Allele origin: germline.

CeGaT Center for Human Genetics Tuebingen
Classification: Likely benign. Last evaluated: 2026-01-01. Review status: criteria provided, single submitter. Criteria: CeGaT Center For Human Genetics Tuebingen Variant Classification Criteria Version 2. Collection method: clinical testing. Allele origin: germline. Affected: yes. Observed: 6 variant alleles.
Comment: COL9A3: BP4, BP7

Blueprint Genetics
Classification: Likely benign. Last evaluated: 2024-11-28. Review status: criteria provided, single submitter. Criteria: ACMG Guidelines, 2015. Collection method: clinical testing. Allele origin: germline.

GeneDx
Classification: Benign. Last evaluated: 2018-12-18. Review status: criteria provided, single submitter. Criteria: GeneDx Variant Classification Process June 2021. Collection method: clinical testing. Allele origin: germline. Affected: yes.

Eurofins Ntd Llc (ga)
Classification: Likely benign. Last evaluated: 2015-09-28. Review status: criteria provided, single submitter. Criteria: EGL Classification Definitions 2015. Collection method: clinical testing. Allele origin: germline. Observed: 1 variant allele, 1 heterozygote.

Breakthrough Genomics
Classification: Likely benign. Review status: criteria provided, single submitter. Criteria: ACMG Guidelines, 2015. Collection method: not provided. Allele origin: germline. Inheritance: Autosomal recessive inheritance. Affected: yes.

PreventionGenetics, part of Exact Sciences
Classification: Likely benign for COL9A3-related condition. Last evaluated: 2020-01-29. Review status: no assertion criteria provided. Collection method: clinical testing. Allele origin: germline. Not counted in ClinVar's aggregate classification.
Comment: This variant is classified as likely benign based on ACMG/AMP sequence variant interpretation guidelines (Richards et al. 2015 PMID: 25741868, with internal and published modifications).

NM_001853.4(COL9A3):c.891C>T (p.Ser297=)

Gene: COL9A3 (collagen type IX alpha 3 chain; plus strand). Cytogenetic location: 20q13.33.
Variant type: single nucleotide variant.
Coding change: c.891C>T on transcript NM_001853.4 (MANE Select); coding-DNA position 891, C replaced by T.
Protein change: p.Ser297=; no amino-acid change (serine 297 retained).
Molecular consequence: synonymous variant.
Genome position (GRCh38, 1-based): chr20:62,827,967, C>T. VCF-style: chr20-62827967-C-T. GRCh37 (hg19) VCF-style: chr20-61459319-C-T.
Other names: c.891C>T, p.Ser297= (LRG_1253t1).
Identifiers: ClinVar variation 283122 (VCV000283122.44), dbSNP rs142412708, ClinGen allele CA9949577.